The following is an entry in ClinVar:

ClinVar aggregate classification (germline): Uncertain significance (1 of 4 stars; one submission).

Submission:

GeneDx
Classification: Uncertain significance. Last evaluated: 2025-02-15. Review status: criteria provided, single submitter. Criteria: GeneDx Variant Classification Process June 2021. Collection method: clinical testing. Allele origin: germline. Affected: yes.
Comment: Not observed at significant frequency in large population cohorts (gnomAD); In silico analysis indicates that this missense variant does not alter protein structure/function; Has not been previously published as pathogenic or benign to our knowledge

NM_012414.4(RAB3GAP2):c.3358A>G (p.Ile1120Val)

Gene: RAB3GAP2 (RAB3 GTPase activating non-catalytic protein subunit 2; minus strand). Cytogenetic location: 1q41.
Variant type: single nucleotide variant.
Coding change: c.3358A>G on transcript NM_012414.4 (MANE Select); coding-DNA position 3358, A replaced by G.
Protein change: p.Ile1120Val; replaces isoleucine 1120 with valine.
Molecular consequence: missense variant.
Genome position (GRCh38, 1-based): chr1:220,157,467, T>C on the plus strand (A>G on the coding strand, the complement: RAB3GAP2 is on the minus strand). VCF-style: chr1-220157467-T-C. GRCh37 (hg19) VCF-style: chr1-220330809-T-C.
Other names: short protein forms I1120V.
Identifiers: ClinVar variation 4075543 (VCV004075543.1).
Genomic context (GRCh38, chr1:220,157,467, plus strand): 5'-TGGAGATTGGTCCTTCCACGGAGAGCCACGCATCCTCAGTATCCAGCACAGGCACCTGTA[T>C]TTCATCCCTGCTAACATCTGCCTAAGGGTTTTGAGAATGGAGGACTGTGTTCAGTAATGG-3'
Protein context (NP_036546.2, residues 1110-1130): LMEADVSRDE[Ile1120Val]QVPVLDTEDA